The following is an entry in ClinVar:

ClinVar aggregate classification (germline): Uncertain significance (1 of 4 stars; one submission).

gnomAD v4.1: 1 of 1,550,656 alleles (0.000064%); highest among the groups gnomAD compares: East Asian, 0.0024%; no homozygotes.

Submission:

Women's Health and Genetics/Laboratory Corporation of America, LabCorp
Classification: Uncertain significance. Last evaluated: 2026-01-26. Review status: criteria provided, single submitter. Criteria: LabCorp Variant Classification Summary - May 2015. Collection method: clinical testing. Allele origin: germline.
Comment: Variant summary: ZNF469 c.11666A>G (p.Asp3889Gly) results in a non-conservative amino acid change in the encoded protein sequence. Algorithms developed to predict the effect of missense changes on protein structure and function are either unavailable or do not agree on the potential impact of this missense change. The frequency data for this variant in gnomAD is considered unreliable, as metrics indicate poor data quality at this position. To our knowledge, no occurrence of c.11666A>G in individuals affected with ZNF469-related conditions and no experimental evidence demonstrating its impact on protein function have been reported. No submitters have cited clinical-significance assessments for this variant to ClinVar. Based on the evidence outlined above, the variant was classified as uncertain significance.

NM_001367624.2(ZNF469):c.11666A>G (p.Asp3889Gly)

Gene: ZNF469 (zinc finger protein 469; plus strand). Cytogenetic location: 16q24.2.
Variant type: single nucleotide variant.
Coding change: c.11666A>G on transcript NM_001367624.2 (MANE Select); coding-DNA position 11666, A replaced by G.
Protein change: p.Asp3889Gly; replaces aspartic acid 3889 with glycine.
Molecular consequence: missense variant.
Genome position (GRCh38, 1-based): chr16:88,439,136, A>G. VCF-style: chr16-88439136-A-G. GRCh37 (hg19) VCF-style: chr16-88505544-A-G.
Other names: short protein forms D3889G.
Identifiers: ClinVar variation 4689707 (VCV004689707.1).
Genomic context (GRCh38, chr16:88,439,136, plus strand): 5'-AACCCAGGCCGCCACCATCAGAGCAGCGGAAGGCAGAGCCGGGCCACACACAGAGGAAGG[A>G]CAGACTGGGCAAGGCCTTCCCCCAGGGGAGACCCCTGCTCAGGCCCCCCAAGAGGGGCAC-3'
Protein context (NP_001354553.1, residues 3879-3899): KAEPGHTQRK[Asp3889Gly]RLGKAFPQGR